The following is an entry in ClinVar:

NM_002474.3(MYH11):c.5429C>G (p.Ser1810Cys)

Genes: MYH11 (myosin heavy chain 11; minus strand), NDE1 (nudE neurodevelopment protein 1; plus strand). Cytogenetic location: 16p13.11.
Variant type: single nucleotide variant.
Coding change: c.5429C>G on transcript NM_002474.3 (MANE Select); coding-DNA position 5429, C replaced by G.
Protein change: p.Ser1810Cys; replaces serine 1810 with cysteine.
Molecular consequence: missense variant. On other transcripts: intron variant (2).
Genome position (GRCh38, 1-based): chr16:15,717,215, G>C on the plus strand (C>G on the coding strand, the complement: MYH11 is on the minus strand). VCF-style: chr16-15717215-G-C. GRCh37 (hg19) VCF-style: chr16-15811072-G-C.
Other names: c.5450C>G, p.Ser1817Cys (NM_001040113.2, NM_001040114.2); c.5429C>G, p.Ser1810Cys (NM_022844.3); c.948-6976G>C (NM_001143979.2, NM_017668.3); short protein forms S1810C, S1817C.
Identifiers: ClinVar variation 5025100 (VCV005025100.1).

ClinVar aggregate classification (germline): Uncertain significance (1 of 4 stars; one submission).

Conditions:
Familial thoracic aortic aneurysm and aortic dissection (TAAD). Also called: Thoracic aortic aneurysms and dissections. Identifiers: Orphanet 91387, MedGen C4707243, MONDO:0019625.

Submission:

Ambry Genetics
Classification: Uncertain significance for Familial thoracic aortic aneurysm and aortic dissection. Last evaluated: 2026-09-14. Review status: criteria provided, single submitter. Criteria: Ambry Variant Classification Scheme 2023. Collection method: clinical testing. Allele origin: germline.
Comment: The p.S1810C variant (also known as c.5429C>G), located in coding exon 37 of the MYH11 gene, results from a C to G substitution at nucleotide position 5429. The serine at codon 1810 is replaced by cysteine, an amino acid with dissimilar properties. This amino acid position is conserved. In addition, the in silico prediction for this alteration is inconclusive. Based on the available evidence, the clinical significance of this variant remains unclear.